The following is an entry in ClinVar:

NM_001276270.2(MBD4):c.104G>A (p.Arg35His)

Gene: MBD4 (methyl-CpG binding domain 4, DNA glycosylase; minus strand). Cytogenetic location: 3q21.3.
Variant type: single nucleotide variant.
Coding change: c.104G>A on transcript NM_001276270.2 (MANE Select); coding-DNA position 104, G replaced by A.
Protein change: p.Arg35His; replaces arginine 35 with histidine.
Molecular consequence: missense variant.
Genome position (GRCh38, 1-based): chr3:129,439,730, C>T on the plus strand (G>A on the coding strand, the complement: MBD4 is on the minus strand). VCF-style: chr3-129439730-C-T. GRCh37 (hg19) VCF-style: chr3-129158573-C-T.
Other names: c.104G>A, p.Arg35His (NM_001276271.2, NM_001276272.2, NM_001276273.2 and 1 more transcripts); short protein forms R35H.
Identifiers: ClinVar variation 3687814 (VCV003687814.3).

ClinVar aggregate classification (germline): Uncertain significance. Review status: criteria provided, multiple submitters, no conflicts (2 of 4 stars). 2 submissions from 2 submitters: Uncertain significance (2). Last evaluated 2025-01-06.

Conditions:
Inborn genetic diseases. Identifiers: MedGen C0950123, MeSH D030342.

gnomAD v4.1: 4 of 1,573,970 alleles (0.00025%); highest among the groups gnomAD compares: East Asian, 0.0023%; no homozygotes.

Submissions (2):

Ambry Genetics
Classification: Uncertain significance for Inborn genetic diseases. Last evaluated: 2025-01-06. Review status: criteria provided, single submitter. Criteria: Ambry Variant Classification Scheme 2023. Collection method: clinical testing. Allele origin: germline.
Comment: The c.104G>A variant (also known as p.R35H), located in coding exon 1 of the MBD4 gene, results from a G to A substitution at nucleotide position 104. The amino acid change results in arginine to histidine at codon 35, an amino acid with highly similar properties. However, this change occurs in the last base pair of coding exon 1, which makes it likely to have some effect on normal mRNA splicing. This nucleotide position is highly conserved in available vertebrate species. This amino acid position is not well conserved in available vertebrate species. In silico splice site analysis predicts that this alteration will not have any significant effect on splicing. In addition, this alteration is predicted to be tolerated by in silico analysis. Based on the available evidence, the clinical significance of this variant remains unclear.

Labcorp Genetics (formerly Invitae), Labcorp
Classification: Uncertain significance. Last evaluated: 2024-09-02. Review status: criteria provided, single submitter. Criteria: Invitae Variant Classification Sherloc (09022015). Collection method: clinical testing. Allele origin: germline.
Comment: This sequence change replaces arginine, which is basic and polar, with histidine, which is basic and polar, at codon 35 of the MBD4 protein (p.Arg35His). This variant also falls at the last nucleotide of exon 1, which is part of the consensus splice site for this exon. The frequency data for this variant in the population databases is considered unreliable, as metrics indicate poor data quality at this position in the gnomAD database. This variant has not been reported in the literature in individuals affected with MBD4-related conditions. An algorithm developed to predict the effect of missense changes on protein structure and function (PolyPhen-2) suggests that this variant is likely to be tolerated. Variants that disrupt the consensus splice site are a relatively common cause of aberrant splicing (PMID: 17576681, 9536098). In summary, the available evidence is currently insufficient to determine the role of this variant in disease. Therefore, it has been classified as a Variant of Uncertain Significance.

Literature cited by the submitters: PubMed 17576681 (cited by Labcorp Genetics (formerly Invitae), Labcorp); PubMed 9536098 (cited by Labcorp Genetics (formerly Invitae), Labcorp).